The following is an entry in ClinVar:

NM_003107.3(SOX4):c.1158C>T (p.Ser386=)

Gene: SOX4 (SRY-box transcription factor 4; plus strand). Cytogenetic location: 6p22.3.
Variant type: single nucleotide variant.
Coding change: c.1158C>T on transcript NM_003107.3 (MANE Select); coding-DNA position 1158, C replaced by T.
Protein change: p.Ser386=; no amino-acid change (serine 386 retained).
Molecular consequence: synonymous variant.
Genome position (GRCh38, 1-based): chr6:21,595,692, C>T. VCF-style: chr6-21595692-C-T. GRCh37 (hg19) VCF-style: chr6-21595923-C-T.
Identifiers: ClinVar variation 714294 (VCV000714294.29), dbSNP rs112453252, ClinGen allele CA3653710.

ClinVar aggregate classification (germline): Benign/Likely benign. Review status: criteria provided, multiple submitters, no conflicts (2 of 4 stars). 4 submissions from 4 submitters: Benign (1); Likely benign (2). 1 of the submissions does not count toward it. Last evaluated 2026-09-01.

Conditions:
SOX4-related disorder. Also called: SOX4-related condition.

Allele frequency attached by ClinVar (database versions not stated): gnomAD exomes 0.00058 and 0.00095; gnomAD 0.00272 and 0.00277; ESP Exome Variant Server 0.00280; TOPMed 0.00283; ExAC 0.00347; 1000 Genomes Project 30x 0.00703; 1000 Genomes Project 0.00719.
gnomAD v4.1: 1,307 of 1,589,952 alleles (0.082%); highest among the groups gnomAD compares: African/African-American, 1%; 10 homozygotes.

Submissions (4):

CeGaT Center for Human Genetics Tuebingen
Classification: Likely benign. Last evaluated: 2026-09-01. Review status: criteria provided, single submitter. Criteria: CeGaT Center For Human Genetics Tuebingen Variant Classification Criteria Version 2. Collection method: clinical testing. Allele origin: germline. Affected: yes. Observed: 4 variant alleles.
Comment: SOX4: BP4, BP7, BS1

Blueprint Genetics
Classification: Likely benign. Last evaluated: 2024-09-23. Review status: criteria provided, single submitter. Criteria: ACMG Guidelines, 2015. Collection method: clinical testing. Allele origin: germline.

Labcorp Genetics (formerly Invitae), Labcorp
Classification: Benign. Last evaluated: 2018-05-15. Review status: criteria provided, single submitter. Criteria: Invitae Variant Classification Sherloc (09022015). Collection method: clinical testing. Allele origin: germline.

PreventionGenetics, part of Exact Sciences
Classification: Benign for SOX4-related condition. Last evaluated: 2019-12-23. Review status: no assertion criteria provided. Collection method: clinical testing. Allele origin: germline. Not counted in ClinVar's aggregate classification.
Comment: This variant is classified as benign based on ACMG/AMP sequence variant interpretation guidelines (Richards et al. 2015 PMID: 25741868, with internal and published modifications).